The following is an entry in ClinVar:

NM_152564.5(VPS13B):c.11705_11709delinsAA (p.Thr3902_Val3903delinsLys)

Gene: VPS13B (vacuolar protein sorting 13 homolog B; plus strand). Cytogenetic location: 8q22.2.
Variant type: Indel.
Coding change: c.11705_11709delinsAA on transcript NM_152564.5 (MANE Select); coding-DNA positions 11705 to 11709, CAGTG replaced by AA.
Protein change: p.Thr3902_Val3903delinsLys.
Molecular consequence: inframe indel.
Genome position (GRCh38, 1-based): chr8:99,871,657-99,871,661, CAGTG replaced by AA. VCF-style: chr8-99871657-CAGTG-AA. GRCh37 (hg19) VCF-style: chr8-100883885-CAGTG-AA.
Other names: c.11780_11784delCAGTGinsAA (NM_017890.4); c.11780_11784delinsAA, p.Thr3927_Val3928delinsLys (NM_017890.5).
Identifiers: ClinVar variation 56641 (VCV000056641.2), dbSNP rs386834067, ClinGen allele CA264018.

ClinVar aggregate classification (germline): Likely pathogenic (0 of 4 stars; one submission).

Conditions:
Cohen syndrome (COH1). Also called: PEPPER SYNDROME; Cutis verticis gyrata, retinitis pigmentosa, and sensorineural deafness. Identifiers: Orphanet 193, MedGen C0265223, MONDO:0008999, OMIM 216550.

Submission:

Juha Muilu Group; Institute for Molecular Medicine Finland (FIMM)
Classification: Likely pathogenic for Cohen syndrome. Review status: no assertion criteria provided. Collection method: not provided. Allele origin: unknown.
Comment: FinDis database variant: This variant was not found or characterized by our laboratory, data were collected from public sources: see reference
ClinVar note: Converted during submission from probable-pathogenic to Likely pathogenic.